The following is an entry in ClinVar:

NM_000381.4(MID1):c.1586G>C (p.Gly529Ala)

Gene: MID1 (midline 1; minus strand). Cytogenetic location: Xp22.2.
Variant type: single nucleotide variant.
Coding change: c.1586G>C on transcript NM_000381.4 (MANE Select); coding-DNA position 1586, G replaced by C.
Protein change: p.Gly529Ala; replaces glycine 529 with alanine.
Molecular consequence: missense variant.
Genome position (GRCh38, 1-based): chrX:10,454,939, C>G on the plus strand (G>C on the coding strand, the complement: MID1 is on the minus strand). VCF-style: chrX-10454939-C-G. GRCh37 (hg19) VCF-style: chrX-10422979-C-G.
Other names: c.1586G>C, p.Gly529Ala (NM_001098624.2, NM_001193277.1, NM_001347733.2 and 1 more transcripts); c.1472G>C, p.Gly491Ala (NM_033289.2); short protein forms G529A, G491A.
Identifiers: ClinVar variation 2488641 (VCV002488641.5), dbSNP rs1339873549, ClinGen allele CA412050722.
Genomic context (GRCh38, chrX:10,454,939, plus strand): 5'-CCACTTATGACCACTTCCCAATAATGCCGGCCACTATCAATAAACACATTTCCAGCTACT[C>G]CATAGCTCCCCTGGCTGGTGAAGCGTTCAGGTGTGTGACTCTTCTTGGATGATGACTCAT-3'
Protein context (NP_000372.1, residues 519-539): PERFTSQGSY[Gly529Ala]VAGNVFIDSG

ClinVar aggregate classification (germline): Uncertain significance. Review status: criteria provided, multiple submitters, no conflicts (2 of 4 stars). 2 submissions from 2 submitters: Uncertain significance (2). Last evaluated 2023-11-27.

Conditions:
Inborn genetic diseases. Identifiers: MedGen C0950123, MeSH D030342.

Allele frequency attached by ClinVar (database versions not stated): gnomAD exomes below 0.00001; TOPMed below 0.00001; gnomAD 0.00001.
gnomAD v4.1: 8 of 1,208,857 alleles (0.00066%); highest among the groups gnomAD compares: Non-Finnish European, 0.00067%; no homozygotes.

Submissions (2):

Labcorp Genetics (formerly Invitae), Labcorp
Classification: Uncertain significance. Last evaluated: 2023-11-27. Review status: criteria provided, single submitter. Criteria: Invitae Variant Classification Sherloc (09022015). Collection method: clinical testing. Allele origin: germline.
Comment: This sequence change replaces glycine, which is neutral and non-polar, with alanine, which is neutral and non-polar, at codon 529 of the MID1 protein (p.Gly529Ala). This variant is not present in population databases (gnomAD no frequency). This variant has not been reported in the literature in individuals affected with MID1-related conditions. ClinVar contains an entry for this variant (Variation ID: 2488641). Advanced modeling of protein sequence and biophysical properties (such as structural, functional, and spatial information, amino acid conservation, physicochemical variation, residue mobility, and thermodynamic stability) performed at Invitae indicates that this missense variant is not expected to disrupt MID1 protein function with a negative predictive value of 80%. In summary, the available evidence is currently insufficient to determine the role of this variant in disease. Therefore, it has been classified as a Variant of Uncertain Significance.

Ambry Genetics
Classification: Uncertain significance for Inborn genetic diseases. Last evaluated: 2023-02-23. Review status: criteria provided, single submitter. Criteria: Ambry Variant Classification Scheme 2023. Collection method: clinical testing. Allele origin: germline.